The following is an entry in ClinVar:

NM_000038.6(APC):c.5853A>G (p.Leu1951=)

Gene: APC (APC regulator of Wnt signaling pathway; plus strand). Cytogenetic location: 5q22.2.
Variant type: single nucleotide variant.
Coding change: c.5853A>G on transcript NM_000038.6 (MANE Select); coding-DNA position 5853, A replaced by G.
Protein change: p.Leu1951=; no amino-acid change (leucine 1951 retained).
Molecular consequence: synonymous variant. On other transcripts: non-coding transcript variant (2).
Genome position (GRCh38, 1-based): chr5:112,841,447, A>G. VCF-style: chr5-112841447-A-G. GRCh37 (hg19) VCF-style: chr5-112177144-A-G.
Other names: c.5853A>G, p.Leu1951= (NM_001127510.3, NM_001354895.2, NM_001407450.1); c.5799A>G, p.Leu1933= (NM_001127511.3); c.5907A>G, p.Leu1969= (NM_001354896.2, NM_001407447.1, NM_001407448.1 and 1 more transcripts); c.5883A>G, p.Leu1961= (NM_001354897.2); c.5778A>G, p.Leu1926= (NM_001354898.2); c.5769A>G, p.Leu1923= (NM_001354899.2); c.5730A>G, p.Leu1910= (NM_001354900.2); c.5676A>G, p.Leu1892= (NM_001354901.2, NM_001407453.1); and 12 more.
Identifiers: ClinVar variation 3253874 (VCV003253874.3), dbSNP rs2149950921.

ClinVar aggregate classification (germline): Benign/Likely benign. Review status: criteria provided, multiple submitters, no conflicts (2 of 4 stars). 3 submissions from 3 submitters: Benign (1); Likely benign (2). Last evaluated 2025-04-20.

Conditions:
Hereditary cancer-predisposing syndrome. Also called: Hereditary neoplastic syndrome; Neoplastic Syndromes, Hereditary; Tumor predisposition; Hereditary Cancer Syndrome. Identifiers: Orphanet 140162, MedGen C0027672, MeSH D009386, MONDO:0015356.
Familial adenomatous polyposis 1 (FAP1). Also called: POLYPOSIS, ADENOMATOUS INTESTINAL; FAMILIAL ADENOMATOUS POLYPOSIS 1, ATTENUATED. Identifiers: MedGen C2713442, MONDO:0021056, OMIM 175100. Disease mechanism: loss of function.

Allele frequency attached by ClinVar (database versions not stated): gnomAD exomes below 0.00001.
gnomAD v4.1: 2 of 1,614,024 alleles (0.00012%); highest among the groups gnomAD compares: East Asian, 0.0022%; no homozygotes.

Submissions (3):

Ambry Genetics
Classification: Likely benign for Hereditary cancer-predisposing syndrome. Last evaluated: 2025-04-20. Review status: criteria provided, single submitter. Criteria: Ambry Variant Classification Scheme 2023. Collection method: clinical testing. Allele origin: germline.

Myriad Genetics, Inc.
Classification: Benign for Familial adenomatous polyposis 1. Last evaluated: 2024-04-03. Review status: criteria provided, single submitter. Criteria: Myriad Autosomal Dominant, Autosomal Recessive and X-Linked Classification Criteria (2023). Collection method: clinical testing. Allele origin: unknown.
Comment: This variant is considered benign. This variant is a silent/synonymous amino acid change and it is not expected to impact splicing.

Color Diagnostics, LLC DBA Color Health
Classification: Likely benign for Hereditary cancer-predisposing syndrome. Last evaluated: 2023-05-23. Review status: criteria provided, single submitter. Criteria: ACMG Guidelines, 2015. Collection method: clinical testing. Allele origin: germline.